The following is an entry in ClinVar:

ClinVar aggregate classification (germline): Uncertain significance (1 of 4 stars; one submission).

Allele frequency attached by ClinVar (database versions not stated): gnomAD 0.00005; ExAC 0.00017; 1000 Genomes Project 30x 0.00031.
gnomAD v4.1: 114 of 1,613,898 alleles (0.0071%); highest among the groups gnomAD compares: South Asian, 0.11%; 1 homozygote.

Submission:

Labcorp Genetics (formerly Invitae), Labcorp
Classification: Uncertain significance. Last evaluated: 2021-08-31. Review status: criteria provided, single submitter. Criteria: Invitae Variant Classification Sherloc (09022015). Collection method: clinical testing. Allele origin: germline.
Comment: This sequence change replaces methionine with threonine at codon 329 of the SLC12A6 protein (p.Met329Thr). The methionine residue is highly conserved and there is a moderate physicochemical difference between methionine and threonine. This variant is present in population databases (rs775696544, ExAC 0.1%), including at least one homozygous and/or hemizygous individual. This variant has not been reported in the literature in individuals affected with SLC12A6-related conditions. Algorithms developed to predict the effect of missense changes on protein structure and function are either unavailable or do not agree on the potential impact of this missense change (SIFT: "Tolerated"; PolyPhen-2: "Possibly Damaging"; Align-GVGD: "Class C0"). In summary, the available evidence is currently insufficient to determine the role of this variant in disease. Therefore, it has been classified as a Variant of Uncertain Significance.

NM_001365088.1(SLC12A6):c.986T>C (p.Met329Thr)

Gene: SLC12A6 (solute carrier family 12 member 6; minus strand). Cytogenetic location: 15q14.
Variant type: single nucleotide variant.
Coding change: c.986T>C on transcript NM_001365088.1 (MANE Select); coding-DNA position 986, T replaced by C.
Protein change: p.Met329Thr; replaces methionine 329 with threonine.
Molecular consequence: missense variant.
Genome position (GRCh38, 1-based): chr15:34,254,480, A>G on the plus strand (T>C on the coding strand, the complement: SLC12A6 is on the minus strand). VCF-style: chr15-34254480-A-G. GRCh37 (hg19) VCF-style: chr15-34546681-A-G.
Other names: c.809T>C, p.Met270Thr (NM_001042494.2, NM_001042495.2); c.959T>C, p.Met320Thr (NM_001042496.2); c.941T>C, p.Met314Thr (NM_001042497.2); c.833T>C, p.Met278Thr (NM_005135.2); c.986T>C, p.Met329Thr (NM_133647.2); short protein forms M270T, M278T, M329T, M314T, M320T.
Identifiers: ClinVar variation 2148899 (VCV002148899.1), dbSNP rs775696544, ClinGen allele CA7464425.